The following is an entry in ClinVar:

NM_017654.4(SAMD9):c.66G>A (p.Trp22Ter)

Gene: SAMD9 (sterile alpha motif domain containing 9; minus strand). Cytogenetic location: 7q21.2.
Variant type: single nucleotide variant.
Coding change: c.66G>A on transcript NM_017654.4 (MANE Select); coding-DNA position 66, G replaced by A.
Protein change: p.Trp22Ter; replaces tryptophan 22 with a stop codon.
Molecular consequence: nonsense.
Genome position (GRCh38, 1-based): chr7:93,106,032, C>T on the plus strand (G>A on the coding strand, the complement: SAMD9 is on the minus strand). VCF-style: chr7-93106032-C-T. GRCh37 (hg19) VCF-style: chr7-92735345-C-T.
Other names: c.66G>A, p.Trp22Ter (NM_001193307.2); short protein forms W22*.
Identifiers: ClinVar variation 5007241 (VCV005007241.2).

ClinVar aggregate classification (germline): Uncertain significance (1 of 4 stars; one submission).

Conditions:
MIRAGE syndrome. Also called: MYELODYSPLASIA, INFECTION, RESTRICTION OF GROWTH, ADRENAL HYPOPLASIA, GENITAL PHENOTYPES, AND ENTEROPATHY. Identifiers: Orphanet 494433, MedGen C4284088, MONDO:0014888, OMIM 617053.
Normophosphatemic familial tumoral calcinosis. Also called: CALCINOSIS, TUMORAL, WITH NORMOPHOSPHATEMIA. Identifiers: Orphanet 306658, Orphanet 53715, MedGen C1864861, MONDO:0012502, OMIM 610455.
Monosomy 7 myelodysplasia and leukemia syndrome 2. Identifiers: MedGen C5436668, MONDO:0030801, OMIM 619041.

gnomAD v4.1: 2 of 1,591,054 alleles (0.00013%); highest among the groups gnomAD compares: East Asian, 0.0045%; no homozygotes.

Submission:

Juno Genomics, Hangzhou Juno Genomics, Inc
Classification: Uncertain significance for Normophosphatemic familial tumoral calcinosis; MIRAGE syndrome; Monosomy 7 myelodysplasia and leukemia syndrome 2. Review status: criteria provided, single submitter. Criteria: ACMG Guidelines, 2015. Collection method: clinical testing. Allele origin: germline.
Comment: Null variant in a gene where loss of function (LOF) is a known mechanism of disease.;Absent from controls (or at extremely low frequency if recessive) in Genome Aggregation Database.